The following is an entry in ClinVar:

NM_005359.6(SMAD4):c.1140G>A (p.Arg380=)

Gene: SMAD4 (SMAD family member 4; plus strand). Cytogenetic location: 18q21.2.
Variant type: single nucleotide variant.
Coding change: c.1140G>A on transcript NM_005359.6 (MANE Select); coding-DNA position 1140, G replaced by A.
Protein change: p.Arg380=; no amino-acid change (arginine 380 retained).
Molecular consequence: synonymous variant.
Genome position (GRCh38, 1-based): chr18:51,067,019, G>A. VCF-style: chr18-51067019-G-A. GRCh37 (hg19) VCF-style: chr18-48593389-G-A.
Identifiers: ClinVar variation 413435 (VCV000413435.22), dbSNP rs1060504025, ClinGen allele CA16615797.

ClinVar aggregate classification (germline): Conflicting classifications of pathogenicity. Review status: criteria provided, conflicting classifications (1 of 4 stars). 6 submissions from 6 submitters: Uncertain significance (2); Likely benign (4). Last evaluated 2026-04-14.

Conditions:
Familial thoracic aortic aneurysm and aortic dissection (TAAD). Also called: Thoracic aortic aneurysms and dissections. Identifiers: Orphanet 91387, MedGen C4707243, MONDO:0019625.
Hereditary cancer-predisposing syndrome. Also called: Tumor predisposition; Neoplastic Syndromes, Hereditary; Hereditary Cancer Syndrome; Hereditary neoplastic syndrome. Identifiers: Orphanet 140162, MedGen C0027672, MeSH D009386, MONDO:0015356.
Juvenile polyposis syndrome (JPS). Identifiers: Orphanet 2929, MedGen C0345893, MONDO:0017380, OMIM 174900.
Juvenile polyposis/hereditary hemorrhagic telangiectasia syndrome (JPHT). Also called: POLYPOSIS, GENERALIZED JUVENILE, WITH PULMONARY ARTERIOVENOUS MALFORMATION; TELANGIECTASIA, HEREDITARY HEMORRHAGIC, WITH JUVENILE POLYPOSIS COLI; JP/HHT SYNDROME; JUVENILE POLYPOSIS WITH HEREDITARY HEMORRHAGIC TELANGIECTASIA; Juvenile Polyposis Syndrome / Hereditary Hemorrhagic Telangiectasia (JPS/HHT). Identifiers: Orphanet 2929, MedGen C1832942, MONDO:0008278, OMIM 175050.

Allele frequency attached by ClinVar (database versions not stated): gnomAD 0.00001; TOPMed below 0.00001.
gnomAD v4.1: 1 of 1,610,522 alleles (0.000062%); highest among the groups gnomAD compares: Non-Finnish European, 0.000085%; no homozygotes.

Submissions (6):

GeneDx
Classification: Uncertain significance. Last evaluated: 2026-04-14. Review status: criteria provided, single submitter. Criteria: GeneDx Variant Classification Process June 2021. Collection method: clinical testing. Allele origin: germline.
Comment: Not observed at significant frequency in large population cohorts (gnomAD); In silico analysis suggests that this variant does not alter splicing; Has not been previously published as pathogenic or benign to our knowledge

Labcorp Genetics (formerly Invitae), Labcorp
Classification: Likely benign for Juvenile polyposis syndrome. Last evaluated: 2025-12-15. Review status: criteria provided, single submitter. Criteria: Invitae Variant Classification Sherloc (09022015). Collection method: clinical testing. Allele origin: germline.

Ambry Genetics
Classification: Likely benign for Hereditary cancer-predisposing syndrome; Familial thoracic aortic aneurysm and aortic dissection. Last evaluated: 2025-04-12. Review status: criteria provided, single submitter. Criteria: Ambry Variant Classification Scheme 2023. Collection method: clinical testing. Allele origin: germline.

Quest Diagnostics Nichols Institute San Juan Capistrano
Classification: Uncertain significance. Last evaluated: 2024-10-18. Review status: criteria provided, single submitter. Criteria: Quest Diagnostics criteria. Collection method: clinical testing. Allele origin: unknown.
Comment: The SMAD4 c.1140G>A (p.Arg380=) synonymous variant has not been reported in individuals with SMAD4-related conditions in the published literature. The frequency of this variant in the general population, 0.0000066 (1/151924 chromosomes (Genome Aggregation Database)), is uninformative in the assessment of its pathogenicity. Analysis of this variant using software algorithms for the prediction of the effect of nucleotide changes on splicing yielded predictions that this variant does not affect SMAD4 mRNA splicing. Based on the available information, we are unable to determine the clinical significance of this variant.

All of Us Research Program, National Institutes of Health
Classification: Likely benign for Juvenile polyposis/hereditary hemorrhagic telangiectasia syndrome. Last evaluated: 2023-05-31. Review status: criteria provided, single submitter. Criteria: ACMG Guidelines, 2015. Collection method: clinical testing. Allele origin: germline. Inheritance: Autosomal dominant inheritance. Observed: 1 variant allele, 1 heterozygote.
Comment: This study involves interpretation of variants in research participants for the purpose of population health screening. Participant phenotype was not available at the time of variant classification. Additional details can be found in publication PMID: 35346344, PMCID: PMC8962531

Color Diagnostics, LLC DBA Color Health
Classification: Likely benign for Hereditary cancer-predisposing syndrome. Last evaluated: 2018-12-03. Review status: criteria provided, single submitter. Criteria: ACMG Guidelines, 2015. Collection method: clinical testing. Allele origin: germline.